The following is an entry in ClinVar:

ClinVar aggregate classification (germline): Uncertain significance (1 of 4 stars; one submission).

gnomAD v4.1: 13 of 1,605,566 alleles (0.00081%); highest among the groups gnomAD compares: South Asian, 0.014%; no homozygotes.

Submission:

Ambry Genetics
Classification: Uncertain significance. Last evaluated: 2025-09-23. Review status: criteria provided, single submitter. Criteria: Ambry Variant Classification Scheme 2023. Collection method: clinical testing. Allele origin: germline.
Comment: The p.A1454T variant (also known as c.4360G>A), located in coding exon 19 of the WNK2 gene, results from a G to A substitution at nucleotide position 4360. The alanine at codon 1454 is replaced by threonine, an amino acid with similar properties. This amino acid position is conserved. In addition, this alteration is predicted to be tolerated by in silico analysis. Based on the available evidence, the clinical significance of this variant remains unclear.

NM_006648.4(WNK2):c.4360G>A (p.Ala1454Thr)

Gene: WNK2 (WNK lysine deficient protein kinase 2; plus strand). Cytogenetic location: 9q22.31.
Variant type: single nucleotide variant.
Coding change: c.4360G>A on transcript NM_006648.4 (MANE Select); coding-DNA position 4360, G replaced by A.
Protein change: p.Ala1454Thr; replaces alanine 1454 with threonine.
Molecular consequence: missense variant.
Genome position (GRCh38, 1-based): chr9:93,289,114, G>A. VCF-style: chr9-93289114-G-A. GRCh37 (hg19) VCF-style: chr9-96051396-G-A.
Other names: c.4471G>A, p.Ala1491Thr (NM_001282394.3); short protein forms A1454T, A1491T.
Identifiers: ClinVar variation 4605182 (VCV004605182.1).